The following is an entry in ClinVar:

NM_032856.5(WDR73):c.714G>C (p.Gly238=)

Gene: WDR73 (WD repeat domain 73; minus strand). Cytogenetic location: 15q25.2.
Variant type: single nucleotide variant.
Coding change: c.714G>C on transcript NM_032856.5 (MANE Select); coding-DNA position 714, G replaced by C.
Protein change: p.Gly238=; no amino-acid change (glycine 238 retained).
Molecular consequence: synonymous variant. On other transcripts: non-coding transcript variant (4).
Genome position (GRCh38, 1-based): chr15:84,645,640, C>G on the plus strand (G>C on the coding strand, the complement: WDR73 is on the minus strand). VCF-style: chr15-84645640-C-G. GRCh37 (hg19) VCF-style: chr15-85188871-C-G.
Identifiers: ClinVar variation 3032410 (VCV003032410.4), dbSNP rs1896426199, ClinGen allele CA491852526.

ClinVar aggregate classification (germline): Likely benign. Review status: criteria provided, single submitter (1 of 4 stars). 2 submissions from 2 submitters: Likely benign (1). 1 of the submissions does not count toward it. Last evaluated 2026-04-01.

Conditions:
WDR73-related disorder. Also called: WDR73-related condition; WDR73-related disorders.

Submissions (2):

CeGaT Center for Human Genetics Tuebingen
Classification: Likely benign. Last evaluated: 2026-04-01. Review status: criteria provided, single submitter. Criteria: CeGaT Center For Human Genetics Tuebingen Variant Classification Criteria Version 2. Collection method: clinical testing. Allele origin: germline. Affected: yes. Observed: 1 variant allele.
Comment: WDR73: PM2:Supporting, BP4, BP7

PreventionGenetics, part of Exact Sciences
Classification: Likely benign for WDR73-related condition. Last evaluated: 2021-09-13. Review status: no assertion criteria provided. Collection method: clinical testing. Allele origin: germline. Not counted in ClinVar's aggregate classification.
Comment: This variant is classified as likely benign based on ACMG/AMP sequence variant interpretation guidelines (Richards et al. 2015 PMID: 25741868, with internal and published modifications).